The following is an entry in ClinVar:

ClinVar aggregate classification (germline): Uncertain significance. Review status: criteria provided, multiple submitters, no conflicts (2 of 4 stars). 2 submissions from 2 submitters: Uncertain significance (2). Last evaluated 2024-10-09.

Conditions:
Hereditary nonpolyposis colorectal neoplasms. Identifiers: MedGen C0009405, MeSH D003123.
Hereditary cancer-predisposing syndrome. Also called: Tumor predisposition; Hereditary neoplastic syndrome; Neoplastic Syndromes, Hereditary; Hereditary Cancer Syndrome. Identifiers: Orphanet 140162, MedGen C0027672, MeSH D009386, MONDO:0015356.

Allele frequency attached by ClinVar (database versions not stated): gnomAD exomes below 0.00001.
gnomAD v4.1: 2 of 1,613,358 alleles (0.00012%); highest among the groups gnomAD compares: Non-Finnish European, 0.000085%; no homozygotes.

Submissions (2):

Ambry Genetics
Classification: Uncertain significance for Hereditary cancer-predisposing syndrome. Last evaluated: 2024-10-09. Review status: criteria provided, single submitter. Criteria: Ambry Variant Classification Scheme 2023. Collection method: clinical testing. Allele origin: germline.
Comment: The p.P831S variant (also known as c.2491C>T), located in coding exon 4 of the MSH6 gene, results from a C to T substitution at nucleotide position 2491. The proline at codon 831 is replaced by serine, an amino acid with similar properties. This amino acid position is well conserved in available vertebrate species. In addition, this alteration is predicted to be tolerated by in silico analysis. Based on the available evidence, the clinical significance of this variant remains unclear.

Labcorp Genetics (formerly Invitae), Labcorp
Classification: Uncertain significance for Hereditary nonpolyposis colorectal neoplasms. Last evaluated: 2020-10-03. Review status: criteria provided, single submitter. Criteria: Invitae Variant Classification Sherloc (09022015). Collection method: clinical testing. Allele origin: germline.
Comment: In summary, the available evidence is currently insufficient to determine the role of this variant in disease. Therefore, it has been classified as a Variant of Uncertain Significance. This sequence change replaces proline with serine at codon 831 of the MSH6 protein (p.Pro831Ser). The proline residue is moderately conserved and there is a moderate physicochemical difference between proline and serine. This variant is not present in population databases (ExAC no frequency). This variant has not been reported in the literature in individuals with MSH6-related conditions. Advanced modeling of protein sequence and biophysical properties (such as structural, functional, and spatial information, amino acid conservation, physicochemical variation, residue mobility, and thermodynamic stability) performed at Invitae indicates that this missense variant is not expected to disrupt MSH6 protein function.

NM_000179.3(MSH6):c.2491C>T (p.Pro831Ser)

Gene: MSH6 (mutS homolog 6; plus strand). Cytogenetic location: 2p16.3.
Variant type: single nucleotide variant.
Coding change: c.2491C>T on transcript NM_000179.3 (MANE Select); coding-DNA position 2491, C replaced by T.
Protein change: p.Pro831Ser; replaces proline 831 with serine.
Molecular consequence: missense variant.
Genome position (GRCh38, 1-based): chr2:47,800,474, C>T. VCF-style: chr2-47800474-C-T. GRCh37 (hg19) VCF-style: chr2-48027613-C-T.
Other names: c.2101C>T, p.Pro701Ser (NM_001281492.2); c.1585C>T, p.Pro529Ser (NM_001281493.2, NM_001281494.2); c.2491C>T (NM_000179.2); short protein forms P529S, P701S, P831S.
Identifiers: ClinVar variation 1007125 (VCV001007125.10), dbSNP rs267608053, ClinGen allele CA346754210.